The following is an entry in ClinVar:

NM_001356.5(DDX3X):c.632_634delinsA (p.Ile211fs)

Gene: DDX3X (DEAD-box helicase 3 X-linked; plus strand). Cytogenetic location: Xp11.4.
Variant type: Indel.
Coding change: c.632_634delinsA on transcript NM_001356.5 (MANE Select); coding-DNA positions 632 to 634, TTC replaced by A.
Protein change: p.Ile211fs; shifts the reading frame from isoleucine 211.
Molecular consequence: frameshift variant. On other transcripts: non-coding transcript variant (1).
Genome position (GRCh38, 1-based): chrX:41,343,304-41,343,306, TTC replaced by A. VCF-style: chrX-41343304-TTC-A. GRCh37 (hg19) VCF-style: chrX-41202557-TTC-A.
Other names: c.632_634delinsA, p.Ile211fs (NM_001193416.3); c.584_586delinsA, p.Ile195fs (NM_001193417.3); c.74_76delinsA, p.Ile25fs (NM_001363819.1); short protein forms I195fs, I211fs, I25fs.
Identifiers: ClinVar variation 3254976 (VCV003254976.2), dbSNP rs2519511328.
Genomic context (GRCh38, chrX:41,343,304, plus strand): 5'-TCATGGGAAACATTGAGCTTACTCGTTATACTCGCCCAACTCCAGTGCAAAAGCATGCTA[TTC>A]CTATTATCAAAGAGAAAAGAGACTTGATGGCTTGTGCCCAAACAGGTAAGCTCAACTCAT-3'

ClinVar aggregate classification (germline): Pathogenic (1 of 4 stars; one submission).

Conditions:
Intellectual disability, X-linked 102 (MRXSSB). Also called: Intellectual developmental disorder, X-linked syndromic, Snijders Blok type. Identifiers: Orphanet 457260, MedGen C5393299, MONDO:0010497, OMIM 300958.

Submission:

Victorian Clinical Genetics Services, Murdoch Childrens Research Institute
Classification: Pathogenic for Intellectual disability, X-linked 102. Last evaluated: 2024-09-23. Review status: criteria provided, single submitter. Criteria: ACMG Guidelines, 2015. Collection method: clinical testing. Allele origin: germline. Inheritance: X-linked dominant inheritance. Affected: yes.
Comment: Based on the classification scheme VCGS_Germline_v1.3.4, this variant is classified as Pathogenic. Following criteria are met: 0102 - Loss of function is a known mechanism of disease in this gene and is associated with Snijders Blok-type X-linked syndromic intellectual developmental disorder (MIM#300958). (I) 0110 - This gene is associated with X-linked dominant disease. Females may or may not be symptomatic (OMIM). (I) 0201 - Variant is predicted to cause nonsense-mediated decay (NMD) and loss of protein (premature termination codon is located at least 54 nucleotides upstream of the final exon-exon junction). (SP) 0251 - This variant is heterozygous. (I) 0301 - Variant is absent from gnomAD (both v2 and v3). (SP) 0701 - Other NMD predicted variants comparable to the one identified in this case have very strong previous evidence for pathogenicity (DECIPHER). (SP) 0807 - This variant has no previous evidence of pathogenicity. (I) 0905 - No published segregation evidence has been identified for this variant. (I) 1007 - No published functional evidence has been identified for this variant. (SP) Legend: (SP) - Supporting pathogenic, (I) - Information, (SB) - Supporting benign